The following is an entry in ClinVar:

ClinVar aggregate classification (germline): Likely benign. Review status: criteria provided, multiple submitters, no conflicts (2 of 4 stars). 2 submissions from 2 submitters: Likely benign (2). Last evaluated 2024-03-01.

Conditions:
Autosomal recessive limb-girdle muscular dystrophy type R18 (LGMDR18). Also called: Limb-girdle muscular dystrophy, type 2S; MUSCULAR DYSTROPHY, LIMB-GIRDLE, AUTOSOMAL RECESSIVE 18; Autosomal recessive limb-girdle muscular dystrophy type 2S. Identifiers: Orphanet 369840, MedGen C4517996, MONDO:0014144, OMIM 615356.

gnomAD v4.1: 3 of 1,604,510 alleles (0.00019%); highest among the groups gnomAD compares: Non-Finnish European, 0.00026%; no homozygotes.

Submissions (2):

CeGaT Center for Human Genetics Tuebingen
Classification: Likely benign. Last evaluated: 2024-03-01. Review status: criteria provided, single submitter. Criteria: CeGaT Center For Human Genetics Tuebingen Variant Classification Criteria Version 2. Collection method: clinical testing. Allele origin: germline. Affected: yes. Observed: 1 variant allele.
Comment: TRAPPC11: PM2:Supporting, BP4, BP7

Labcorp Genetics (formerly Invitae), Labcorp
Classification: Likely benign for Autosomal recessive limb-girdle muscular dystrophy type R18. Last evaluated: 2022-06-04. Review status: criteria provided, single submitter. Criteria: Invitae Variant Classification Sherloc (09022015). Collection method: clinical testing. Allele origin: germline.

NM_021942.6(TRAPPC11):c.411G>C (p.Val137=)

Gene: TRAPPC11 (trafficking protein particle complex subunit 11; plus strand). Cytogenetic location: 4q35.1.
Variant type: single nucleotide variant.
Coding change: c.411G>C on transcript NM_021942.6 (MANE Select); coding-DNA position 411, G replaced by C.
Protein change: p.Val137=; no amino-acid change (valine 137 retained).
Molecular consequence: synonymous variant.
Genome position (GRCh38, 1-based): chr4:183,667,096, G>C. VCF-style: chr4-183667096-G-C. GRCh37 (hg19) VCF-style: chr4-184588249-G-C.
Other names: c.411G>C, p.Val137= (NM_199053.3).
Identifiers: ClinVar variation 1942562 (VCV001942562.26), dbSNP rs1561028087, ClinGen allele CA442573299.